The following is an entry in ClinVar:

NM_001378454.1(ALMS1):c.6703A>T (p.Lys2235Ter)

Gene: ALMS1 (ALMS1 centrosome and basal body associated protein; plus strand). Cytogenetic location: 2p13.1.
Variant type: single nucleotide variant.
Coding change: c.6703A>T on transcript NM_001378454.1 (MANE Select); coding-DNA position 6703, A replaced by T.
Protein change: p.Lys2235Ter; replaces lysine 2235 with a stop codon.
Molecular consequence: nonsense.
Genome position (GRCh38, 1-based): chr2:73,453,230, A>T. VCF-style: chr2-73453230-A-T. GRCh37 (hg19) VCF-style: chr2-73680357-A-T.
Other names: c.6706A>T, p.Lys2236Ter (NM_015120.4); short protein forms K2236*, K2235*.
Identifiers: ClinVar variation 2693434 (VCV002693434.3), dbSNP rs2466109981, ClinGen allele CA347289081.

ClinVar aggregate classification (germline): Pathogenic (1 of 4 stars; one submission).

Conditions:
Alstrom syndrome (ALMS). Identifiers: Orphanet 64, MedGen C0268425, MONDO:0008763, OMIM 203800.

Submission:

Labcorp Genetics (formerly Invitae), Labcorp
Classification: Pathogenic for Alstrom syndrome. Last evaluated: 2023-11-05. Review status: criteria provided, single submitter. Criteria: Invitae Variant Classification Sherloc (09022015). Collection method: clinical testing. Allele origin: germline.
Comment: This sequence change creates a premature translational stop signal (p.Lys2236*) in the ALMS1 gene. It is expected to result in an absent or disrupted protein product. Loss-of-function variants in ALMS1 are known to be pathogenic (PMID: 17594715). This variant is not present in population databases (gnomAD no frequency). This variant has not been reported in the literature in individuals affected with ALMS1-related conditions. For these reasons, this variant has been classified as Pathogenic.

Literature cited by the submitters: PubMed 17594715.